The following is an entry in ClinVar:

NM_006206.6(PDGFRA):c.1287G>T (p.Gly429=)

Gene: PDGFRA (platelet derived growth factor receptor alpha; plus strand). Cytogenetic location: 4q12.
Variant type: single nucleotide variant.
Coding change: c.1287G>T on transcript NM_006206.6 (MANE Select); coding-DNA position 1287, G replaced by T.
Protein change: p.Gly429=; no amino-acid change (glycine 429 retained).
Molecular consequence: synonymous variant.
Genome position (GRCh38, 1-based): chr4:54,272,443, G>T. VCF-style: chr4-54272443-G-T. GRCh37 (hg19) VCF-style: chr4-55138610-G-T.
Other names: c.1287G>T, p.Gly429= (NM_001347827.2, NM_001347829.2); c.1362G>T, p.Gly454= (NM_001347828.2); c.1326G>T, p.Gly442= (NM_001347830.2).
Identifiers: ClinVar variation 818808 (VCV000818808.22), dbSNP rs762230704, ClinGen allele CA439286920.

ClinVar aggregate classification (germline): Benign/Likely benign. Review status: criteria provided, multiple submitters, no conflicts (2 of 4 stars). 3 submissions from 3 submitters: Benign (1); Likely benign (2). Last evaluated 2026-06-17.

Conditions:
Polyps, multiple and recurrent inflammatory fibroid, gastrointestinal. Identifiers: MedGen C5193005, MONDO:0008285, OMIM 175510.
Gastrointestinal stromal tumor. Also called: Gastrointestinal stromal tumor, somatic; Gastrointestinal stroma tumor. Identifiers: Orphanet 44890, MedGen C0238198, MeSH D046152, MONDO:0011719, OMIM 606764, HP:0100723.
Hereditary cancer-predisposing syndrome. Also called: Neoplastic Syndromes, Hereditary; Hereditary Cancer Syndrome; Hereditary neoplastic syndrome; Tumor predisposition. Identifiers: Orphanet 140162, MedGen C0027672, MeSH D009386, MONDO:0015356.

Allele frequency attached by ClinVar (database versions not stated): gnomAD 0.00001.
gnomAD v4.1: 1 of 1,613,828 alleles (0.000062%); highest among the groups gnomAD compares: Admixed American, 0.0017%; no homozygotes.

Submissions (3):

Myriad Genetics, Inc.
Classification: Benign for Polyps, multiple and recurrent inflammatory fibroid, gastrointestinal. Last evaluated: 2026-06-17. Review status: criteria provided, single submitter. Criteria: Myriad Autosomal Dominant, Autosomal Recessive and X-Linked Classification Criteria (2023). Collection method: clinical testing. Allele origin: unknown.
Comment: This variant is considered benign. This variant is a silent/synonymous amino acid change and it is not expected to impact splicing.

Labcorp Genetics (formerly Invitae), Labcorp
Classification: Likely benign for Gastrointestinal stromal tumor. Last evaluated: 2023-07-22. Review status: criteria provided, single submitter. Criteria: Invitae Variant Classification Sherloc (09022015). Collection method: clinical testing. Allele origin: germline.

Ambry Genetics
Classification: Likely benign for Hereditary cancer-predisposing syndrome. Last evaluated: 2019-12-05. Review status: criteria provided, single submitter. Criteria: Ambry Variant Classification Scheme 2023. Collection method: clinical testing. Allele origin: germline.